The following is an entry in ClinVar:

NM_002437.5(MPV17):c.301C>G (p.Leu101Val)

Gene: MPV17 (mitochondrial inner membrane protein MPV17; minus strand). Cytogenetic location: 2p23.3.
Variant type: single nucleotide variant.
Coding change: c.301C>G on transcript NM_002437.5 (MANE Select); coding-DNA position 301, C replaced by G.
Protein change: p.Leu101Val; replaces leucine 101 with valine.
Molecular consequence: missense variant.
Genome position (GRCh38, 1-based): chr2:27,312,568, G>C on the plus strand (C>G on the coding strand, the complement: MPV17 is on the minus strand). VCF-style: chr2-27312568-G-C. GRCh37 (hg19) VCF-style: chr2-27535435-G-C.
Other names: short protein forms L101V.
Identifiers: ClinVar variation 1327811 (VCV001327811.7), dbSNP rs369706595, ClinGen allele CA44518305.
Genomic context (GRCh38, chr2:27,312,568, plus strand): 5'-CCCAGTTGTCCTGGGCTGACAGTCCATTAAGTGCCCCTACCAGTGGGAGAAAGCAGCCTA[G>C]AAAACACGGGGCAAAGCCCCCCTAGGGAAGAGAAATTAAAGTCCTATGAGTGCTGAAATC-3'
Protein context (NP_002428.1, residues 91-111): LDQGGFAPCF[Leu101Val]GCFLPLVGAL

ClinVar aggregate classification (germline): Uncertain significance. Review status: criteria provided, multiple submitters, no conflicts (2 of 4 stars). 3 submissions from 3 submitters: Uncertain significance (3). Last evaluated 2023-04-03.

Conditions:
Charcot-Marie-Tooth disease, axonal, type 2EE. Also called: CHARCOT-MARIE-TOOTH NEUROPATHY, TYPE 2EE. Identifiers: MedGen C5193076, MONDO:0032728, OMIM 618400.
Mitochondrial DNA depletion syndrome 6 (hepatocerebral type). Also called: NAVAJO NEUROPATHY; Navajo neurohepatopathy; Mitochondrial DNA depletion syndrome type 6. Identifiers: Orphanet 255229, MedGen C1850406, MONDO:0009747, OMIM 256810.

Allele frequency attached by ClinVar (database versions not stated): ESP Exome Variant Server 0.00008; gnomAD 0.00004; gnomAD exomes below 0.00001.

Submissions (3):

Department of Pathology and Laboratory Medicine, Sinai Health System
Classification: Uncertain significance for Mitochondrial DNA depletion syndrome 6 (hepatocerebral type); Charcot-Marie-Tooth disease, axonal, type 2EE. Last evaluated: 2023-04-03. Review status: criteria provided, single submitter. Criteria: ACMG Guidelines, 2015. Collection method: research. Allele origin: germline.

Labcorp Genetics (formerly Invitae), Labcorp
Classification: Uncertain significance. Last evaluated: 2022-02-05. Review status: criteria provided, single submitter. Criteria: Invitae Variant Classification Sherloc (09022015). Collection method: clinical testing. Allele origin: germline.
Comment: This sequence change replaces leucine, which is neutral and non-polar, with valine, which is neutral and non-polar, at codon 101 of the MPV17 protein (p.Leu101Val). This variant is present in population databases (rs369706595, gnomAD 0.01%). This variant has not been reported in the literature in individuals affected with MPV17-related conditions. ClinVar contains an entry for this variant (Variation ID: 1327811). Advanced modeling of protein sequence and biophysical properties (such as structural, functional, and spatial information, amino acid conservation, physicochemical variation, residue mobility, and thermodynamic stability) performed at Invitae indicates that this missense variant is not expected to disrupt MPV17 protein function. In summary, the available evidence is currently insufficient to determine the role of this variant in disease. Therefore, it has been classified as a Variant of Uncertain Significance.

GeneDx
Classification: Uncertain significance. Last evaluated: 2021-04-30. Review status: criteria provided, single submitter. Criteria: GeneDx Variant Classification Process June 2021. Collection method: clinical testing. Allele origin: germline. Affected: yes.
Comment: Has not been previously published as pathogenic or benign to our knowledge; Not observed at a significant frequency in large population cohorts (Lek et al., 2016); In silico analysis supports that this missense variant does not alter protein structure/function